The following is an entry in ClinVar:

ClinVar aggregate classification (germline): Uncertain significance (1 of 4 stars; one submission).

Conditions:
Charcot-Marie-Tooth disease dominant intermediate C (CMTDIC). Also called: CHARCOT-MARIE-TOOTH NEUROPATHY, DOMINANT INTERMEDIATE C. Identifiers: Orphanet 100045, MedGen C1842237, MONDO:0012012, OMIM 608323.

Submission:

Labcorp Genetics (formerly Invitae), Labcorp
Classification: Uncertain significance for Charcot-Marie-Tooth disease dominant intermediate C. Last evaluated: 2022-08-15. Review status: criteria provided, single submitter. Criteria: Invitae Variant Classification Sherloc (09022015). Collection method: clinical testing. Allele origin: germline.
Comment: In summary, the available evidence is currently insufficient to determine the role of this variant in disease. Therefore, it has been classified as a Variant of Uncertain Significance. Algorithms developed to predict the effect of missense changes on protein structure and function are either unavailable or do not agree on the potential impact of this missense change (SIFT: "Not Available"; PolyPhen-2: "Probably Damaging"; Align-GVGD: "Not Available"). ClinVar contains an entry for this variant (Variation ID: 1681517). This variant has not been reported in the literature in individuals affected with YARS-related conditions. This variant is not present in population databases (gnomAD no frequency). This sequence change replaces valine, which is neutral and non-polar, with alanine, which is neutral and non-polar, at codon 215 of the YARS protein (p.Val215Ala).

NM_003680.4(YARS1):c.644T>C (p.Val215Ala)

Gene: YARS1 (tyrosyl-tRNA synthetase 1; minus strand). Cytogenetic location: 1p35.1.
Variant type: single nucleotide variant.
Coding change: c.644T>C on transcript NM_003680.4 (MANE Select); coding-DNA position 644, T replaced by C.
Protein change: p.Val215Ala; replaces valine 215 with alanine.
Molecular consequence: missense variant.
Genome position (GRCh38, 1-based): chr1:32,791,202, A>G on the plus strand (T>C on the coding strand, the complement: YARS1 is on the minus strand). VCF-style: chr1-32791202-A-G. GRCh37 (hg19) VCF-style: chr1-33256803-A-G.
Other names: short protein forms V215A.
Identifiers: ClinVar variation 1681517 (VCV001681517.6), dbSNP rs2148606461, ClinGen allele CA339686363.